The following is an entry in ClinVar:

ClinVar aggregate classification (germline): Uncertain significance (1 of 4 stars; one submission).

Conditions:
Autosomal recessive ataxia, Beauce type. Also called: SYNE1-Related Autosomal Recessive Cerebellar Ataxia; Spinocerebellar ataxia, autosomal recessive 8; ATAXIA, RECESSIVE, OF BEAUCE; SYNE1 Deficiency. Identifiers: Orphanet 88644, MedGen C1853116, MONDO:0012549, OMIM 610743.
Emery-Dreifuss muscular dystrophy 4, autosomal dominant (EDMD4). Also called: EMERY-DREIFUSS MUSCULAR DYSTROPHY 4 WITH VARIABLE FEATURES. Identifiers: Orphanet 261, MedGen C2751807, MONDO:0013071, OMIM 612998.

gnomAD v4.1: 1 of 1,614,214 alleles (0.000062%); highest among the groups gnomAD compares: Non-Finnish European, 0.000085%; no homozygotes.

Submission:

Labcorp Genetics (formerly Invitae), Labcorp
Classification: Uncertain significance for Emery-Dreifuss muscular dystrophy 4, autosomal dominant; Autosomal recessive ataxia, Beauce type. Last evaluated: 2025-03-05. Review status: criteria provided, single submitter. Criteria: Invitae Variant Classification Sherloc (09022015). Collection method: clinical testing. Allele origin: germline.
Comment: This sequence change replaces aspartic acid, which is acidic and polar, with asparagine, which is neutral and polar, at codon 7942 of the SYNE1 protein (p.Asp7942Asn). This variant is not present in population databases (gnomAD no frequency). This variant has not been reported in the literature in individuals affected with SYNE1-related conditions. An algorithm developed to predict the effect of missense changes on protein structure and function (PolyPhen-2) suggests that this variant is likely to be disruptive. In summary, the available evidence is currently insufficient to determine the role of this variant in disease. Therefore, it has been classified as a Variant of Uncertain Significance.

NM_182961.4(SYNE1):c.24037G>A (p.Asp8013Asn)

Gene: SYNE1 (spectrin repeat containing nuclear envelope protein 1; minus strand). Cytogenetic location: 6q25.2.
Variant type: single nucleotide variant.
Coding change: c.24037G>A on transcript NM_182961.4 (MANE Select); coding-DNA position 24037, G replaced by A.
Protein change: p.Asp8013Asn; replaces aspartic acid 8013 with asparagine.
Molecular consequence: missense variant.
Genome position (GRCh38, 1-based): chr6:152,154,984, C>T on the plus strand (G>A on the coding strand, the complement: SYNE1 is on the minus strand). VCF-style: chr6-152154984-C-T. GRCh37 (hg19) VCF-style: chr6-152476119-C-T.
Other names: c.643G>A, p.Asp215Asn (NM_001347701.2); c.502G>A, p.Asp168Asn (NM_001347702.2); c.23824G>A, p.Asp7942Asn (NM_033071.5); short protein forms D215N, D7942N, D8013N, D168N.
Identifiers: ClinVar variation 4788164 (VCV004788164.1).